The following is an entry in ClinVar:

ClinVar aggregate classification (germline): other (0 of 4 stars; one submission).

Conditions:
Familial colorectal cancer. Identifiers: MedGen CN280943, MONDO:0023113. Disease mechanism: loss of function.

Submission:

Systems Biology Platform Zhejiang California International NanoSystems Institute
Classification: other for Familial colorectal cancer. Review status: no assertion criteria provided. Collection method: not provided. Allele origin: unknown.
ClinVar note: Converted during submission from cancer to other.

NM_000038.6(APC):c.531+29G>T

Gene: APC (APC regulator of WNT signaling pathway; plus strand). Cytogenetic location: 5q22.2.
Variant type: single nucleotide variant.
Coding change: c.531+29G>T on transcript NM_000038.6 (MANE Select); 29 bases into the intron after coding-DNA position 531, G replaced by T.
Molecular consequence: intron variant.
Genome position (GRCh38, 1-based): chr5:112,775,766, G>T. VCF-style: chr5-112775766-G-T. GRCh37 (hg19) VCF-style: chr5-112111463-G-T.
Other names: c.531+29G>T (NM_001354895.2, NM_001127510.3, NM_001354896.2 and 2 more transcripts); c.561+29G>T (NM_001354897.2, NM_001354902.2, NM_001127511.3); c.456+29G>T (NM_001354898.2, NM_001354904.2); c.-505+29G>T (NM_001354906.2); c.354+29G>T (NM_001354900.2, NM_001354901.2, NM_001354905.2).
Identifiers: ClinVar variation 82912 (VCV000082912.2), dbSNP rs74471574, ClinGen allele CA010178.